The following is an entry in ClinVar:

ClinVar aggregate classification (germline): Uncertain significance (1 of 4 stars; one submission).

Allele frequency attached by ClinVar (database versions not stated): gnomAD exomes below 0.00001.
gnomAD v4.1: 1 of 1,612,480 alleles (0.000062%); highest among the groups gnomAD compares: Non-Finnish European, 0.000085%; no homozygotes.

Submission:

Labcorp Genetics (formerly Invitae), Labcorp
Classification: Uncertain significance. Last evaluated: 2021-10-05. Review status: criteria provided, single submitter. Criteria: Invitae Variant Classification Sherloc (09022015). Collection method: clinical testing. Allele origin: germline.
Comment: This sequence change replaces glycine with serine at codon 1542 of the POLE protein (p.Gly1542Ser). The glycine residue is weakly conserved and there is a small physicochemical difference between glycine and serine. In summary, the available evidence is currently insufficient to determine the role of this variant in disease. Therefore, it has been classified as a Variant of Uncertain Significance. Algorithms developed to predict the effect of missense changes on protein structure and function (SIFT, PolyPhen-2, Align-GVGD) all suggest that this variant is likely to be tolerated. This variant has not been reported in the literature in individuals affected with POLE-related conditions. This variant is not present in population databases (ExAC no frequency).

NM_006231.4(POLE):c.4624G>A (p.Gly1542Ser)

Gene: POLE (DNA polymerase epsilon, catalytic subunit; minus strand). Cytogenetic location: 12q24.33.
Variant type: single nucleotide variant.
Coding change: c.4624G>A on transcript NM_006231.4 (MANE Select); coding-DNA position 4624, G replaced by A.
Protein change: p.Gly1542Ser; replaces glycine 1542 with serine.
Molecular consequence: missense variant.
Genome position (GRCh38, 1-based): chr12:132,642,924, C>T on the plus strand (G>A on the coding strand, the complement: POLE is on the minus strand). VCF-style: chr12-132642924-C-T. GRCh37 (hg19) VCF-style: chr12-133219510-C-T.
Other names: short protein forms G1542S.
Identifiers: ClinVar variation 1479274 (VCV001479274.6), dbSNP rs2138541484, ClinGen allele CA387379130.